The following is an entry in ClinVar:

NM_024753.5(TTC21B):c.3756G>C (p.Leu1252Phe)

Gene: TTC21B (tetratricopeptide repeat domain 21B; minus strand). Cytogenetic location: 2q24.3.
Variant type: single nucleotide variant.
Coding change: c.3756G>C on transcript NM_024753.5 (MANE Select); coding-DNA position 3756, G replaced by C.
Protein change: p.Leu1252Phe; replaces leucine 1252 with phenylalanine.
Molecular consequence: missense variant.
Genome position (GRCh38, 1-based): chr2:165,880,728, C>G on the plus strand (G>C on the coding strand, the complement: TTC21B is on the minus strand). VCF-style: chr2-165880728-C-G. GRCh37 (hg19) VCF-style: chr2-166737238-C-G.
Other names: short protein forms L1252F.
Identifiers: ClinVar variation 4992091 (VCV004992091.1).

ClinVar aggregate classification (germline): Uncertain significance (1 of 4 stars; one submission).

Conditions:
TTC21B-related disorder. Also called: TTC21B-related disorders; TTC21B-related condition.

Submission:

PreventionGenetics, part of Exact Sciences
Classification: Uncertain significance for TTC21B-related condition. Last evaluated: 2026-02-18. Review status: criteria provided, single submitter. Criteria: ACMG Guidelines, 2015. Collection method: clinical testing. Allele origin: germline.
Comment: The TTC21B c.3756G>C variant is predicted to result in the amino acid substitution p.Leu1252Phe. To our knowledge, this variant has not been reported in the literature or in a large population database (gnomAD), indicating this variant is rare. At this time, the clinical significance of this variant is uncertain due to the absence of conclusive functional and genetic evidence.